The following is an entry in ClinVar:

ClinVar aggregate classification (germline): Conflicting classifications of pathogenicity. Review status: criteria provided, conflicting classifications (1 of 4 stars). 6 submissions from 6 submitters: Uncertain significance (1); Likely benign (2). 3 of the submissions do not count toward it. Last evaluated 2025-11-12.

Conditions:
Deficiency of ferroxidase (ACEP). Also called: Aceruloplasminemia; Deficiency of ceruloplasmin; NEURODEGENERATION WITH BRAIN IRON ACCUMULATION 10; Ceruloplasmin deficiency; Familial apoceruloplasmin deficiency; Hereditary ceruloplasmin deficiency. Identifiers: Orphanet 48818, MedGen C0878682, MONDO:0011426, OMIM 604290, HP:0025498.
CP-related disorder. Also called: CP-related condition.

Allele frequency attached by ClinVar (database versions not stated): gnomAD 0.00002 and 0.00004; gnomAD exomes 0.00007 and 0.00010; ExAC 0.00008; 1000 Genomes Project 30x 0.00016; 1000 Genomes Project 0.00020.
gnomAD v4.1: 106 of 1,599,874 alleles (0.0066%); highest among the groups gnomAD compares: South Asian, 0.06%; 3 homozygotes.

Submissions (6):

Labcorp Genetics (formerly Invitae), Labcorp
Classification: Likely benign for Deficiency of ferroxidase. Last evaluated: 2025-11-12. Review status: criteria provided, single submitter. Criteria: Invitae Variant Classification Sherloc (09022015). Collection method: clinical testing. Allele origin: germline.

CeGaT Center for Human Genetics Tuebingen
Classification: Likely benign. Last evaluated: 2020-06-01. Review status: criteria provided, single submitter. Criteria: CeGaT Center For Human Genetics Tuebingen Variant Classification Criteria Version 2. Collection method: clinical testing. Allele origin: germline. Affected: yes. Observed: 1 variant allele.

Illumina Laboratory Services, Illumina
Classification: Uncertain significance for Deficiency of ferroxidase. Last evaluated: 2018-01-12. Review status: criteria provided, single submitter. Criteria: ICSL Variant Classification Criteria 13 December 2019. Collection method: clinical testing. Allele origin: germline.

PreventionGenetics, part of Exact Sciences
Classification: Likely benign for CP-related condition. Last evaluated: 2019-04-25. Review status: no assertion criteria provided. Collection method: clinical testing. Allele origin: germline. Not counted in ClinVar's aggregate classification.
Comment: This variant is classified as likely benign based on ACMG/AMP sequence variant interpretation guidelines (Richards et al. 2015 PMID: 25741868, with internal and published modifications).

Clinical Genetics DNA and cytogenetics Diagnostics Lab, Erasmus MC, Erasmus Medical Center
Classification: Likely benign. Review status: no assertion criteria provided. Collection method: clinical testing. Allele origin: germline. Affected: yes. Study: VKGL Data-share Consensus. Not counted in ClinVar's aggregate classification.

Genome Diagnostics Laboratory, Amsterdam University Medical Center
Classification: Likely benign. Review status: no assertion criteria provided. Collection method: clinical testing. Allele origin: germline. Affected: yes. Study: VKGL Data-share Consensus. Not counted in ClinVar's aggregate classification.

NM_000096.4(CP):c.2310G>A (p.Lys770=)

Gene: CP (ceruloplasmin; minus strand). Cytogenetic location: 3q24.
Variant type: single nucleotide variant.
Coding change: c.2310G>A on transcript NM_000096.4 (MANE Select); coding-DNA position 2310, G replaced by A.
Protein change: p.Lys770=; no amino-acid change (lysine 770 retained).
Molecular consequence: synonymous variant. On other transcripts: non-coding transcript variant (1).
Genome position (GRCh38, 1-based): chr3:149,183,581, C>T on the plus strand (G>A on the coding strand, the complement: CP is on the minus strand). VCF-style: chr3-149183581-C-T. GRCh37 (hg19) VCF-style: chr3-148901368-C-T.
Identifiers: ClinVar variation 343757 (VCV000343757.51), dbSNP rs553883583, ClinGen allele CA2660784.
Genomic context (GRCh38, chr3:149,183,581, plus strand): 5'-GCTATCAGTATACTGCCGATACACAACTTTCTTGTACTTTGAGCCTATGTAAAACTCTCC[C>T]TTATCTAAAAATGCATTTGAAACACTTAAAAAAAAAAACAACTAAGGTTAGTATTTGTCT-3'
Protein context (NP_000087.2, residues 760-780): EQNVSNAFLD[Lys770=]GEFYIGSKYK